The following is an entry in ClinVar:

ClinVar aggregate classification (germline): Conflicting classifications of pathogenicity. Review status: criteria provided, conflicting classifications (1 of 4 stars). 7 submissions from 7 submitters: Uncertain significance (6); Likely benign (1). Last evaluated 2025-11-25.

Conditions:
Global developmental delay - lung cysts - overgrowth - Wilms tumor syndrome. Also called: GLOW Syndrome; GLOBAL DEVELOPMENTAL DELAY, LUNG CYSTS, OVERGROWTH, AND WILMS TUMOR. Identifiers: Orphanet 404476, MedGen C4748924, MONDO:0018445, OMIM 618272.
DICER1-related tumor predisposition. Also called: DICER1 syndrome; DICER1-related pleuropulmonary blastoma cancer predisposition syndrome. Identifiers: Orphanet 284343, MedGen C3839822, MONDO:0100216.
Hereditary cancer-predisposing syndrome. Also called: Hereditary neoplastic syndrome; Neoplastic Syndromes, Hereditary; Hereditary Cancer Syndrome; Tumor predisposition. Identifiers: Orphanet 140162, MedGen C0027672, MeSH D009386, MONDO:0015356.

Allele frequency attached by ClinVar (database versions not stated): ExAC 0.00001; gnomAD exomes 0.00001; TOPMed 0.00001; gnomAD 0.00002.

Submissions (7):

Labcorp Genetics (formerly Invitae), Labcorp
Classification: Likely benign for DICER1-related tumor predisposition. Last evaluated: 2025-11-25. Review status: criteria provided, single submitter. Criteria: Invitae Variant Classification Sherloc (09022015). Collection method: clinical testing. Allele origin: germline.

Ambry Genetics
Classification: Uncertain significance for Hereditary cancer-predisposing syndrome. Last evaluated: 2025-07-02. Review status: criteria provided, single submitter. Criteria: Ambry Variant Classification Scheme 2023. Collection method: clinical testing. Allele origin: germline.
Comment: The p.E1226K variant (also known as c.3676G>A), located in coding exon 20 of the DICER1 gene, results from a G to A substitution at nucleotide position 3676. The glutamic acid at codon 1226 is replaced by lysine, an amino acid with similar properties. This amino acid position is well conserved in available vertebrate species. In addition, the in silico prediction for this alteration is inconclusive. Based on the available evidence, the clinical significance of this variant remains unclear.

Center for Genomic Medicine, Rigshospitalet, Copenhagen University Hospital
Classification: Uncertain significance. Last evaluated: 2025-03-04. Review status: criteria provided, single submitter. Criteria: ACMG Guidelines, 2015. Collection method: clinical testing. Allele origin: germline.

GeneDx
Classification: Uncertain significance. Last evaluated: 2023-12-18. Review status: criteria provided, single submitter. Criteria: GeneDx Variant Classification Process June 2021. Collection method: clinical testing. Allele origin: germline. Affected: yes.
Comment: Not observed at significant frequency in large population cohorts (gnomAD); In silico analysis supports that this missense variant does not alter protein structure/function; Has not been previously published as pathogenic or benign to our knowledge

Blueprint Genetics
Classification: Uncertain significance. Last evaluated: 2023-08-24. Review status: criteria provided, single submitter. Criteria: ACMG Guidelines, 2015. Collection method: clinical testing. Allele origin: germline.

Baylor Genetics
Classification: Uncertain significance for Global developmental delay - lung cysts - overgrowth - Wilms tumor syndrome. Last evaluated: 2023-05-31. Review status: criteria provided, single submitter. Criteria: ACMG Guidelines, 2015. Collection method: clinical testing. Allele origin: unknown.

Quest Diagnostics Nichols Institute San Juan Capistrano
Classification: Uncertain significance. Last evaluated: 2022-10-28. Review status: criteria provided, single submitter. Criteria: Quest Diagnostics criteria. Collection method: clinical testing. Allele origin: unknown.
Comment: The variant has not been reported in the published literature. The frequency of this variant in the general population, 0.000031 (4/129148 chromosomes), is uninformative in assessment of its pathogenicity. Analysis of this variant using bioinformatics tools for the prediction of the effect of amino acid changes on protein structure and function yielded predictions that this variant is benign. Based on the available information, we are unable to determine the clinical significance of this variant.

NM_177438.3(DICER1):c.3676G>A (p.Glu1226Lys)

Gene: DICER1 (dicer 1, ribonuclease III; minus strand). Cytogenetic location: 14q32.13.
Variant type: single nucleotide variant.
Coding change: c.3676G>A on transcript NM_177438.3 (MANE Select); coding-DNA position 3676, G replaced by A.
Protein change: p.Glu1226Lys; replaces glutamic acid 1226 with lysine.
Molecular consequence: missense variant.
Genome position (GRCh38, 1-based): chr14:95,103,720, C>T on the plus strand (G>A on the coding strand, the complement: DICER1 is on the minus strand). VCF-style: chr14-95103720-C-T. GRCh37 (hg19) VCF-style: chr14-95570057-C-T.
Other names: c.3676G>A, p.Glu1226Lys (NM_001195573.1, NM_001271282.3, NM_001291628.2 and 1 more transcripts); short protein forms E1226K.
Identifiers: ClinVar variation 412117 (VCV000412117.22), dbSNP rs748087536, ClinGen allele CA7331006.